The following is an entry in ClinVar:

ClinVar aggregate classification (germline): Likely benign (1 of 4 stars; one submission).

gnomAD v4.1: 3 of 1,614,068 alleles (0.00019%); highest among the groups gnomAD compares: Non-Finnish European, 0.00017%; no homozygotes.

Submission:

CeGaT Center for Human Genetics Tuebingen
Classification: Likely benign. Last evaluated: 2025-06-01. Review status: criteria provided, single submitter. Criteria: CeGaT Center For Human Genetics Tuebingen Variant Classification Criteria Version 2. Collection method: clinical testing. Allele origin: germline. Affected: yes. Observed: 1 variant allele.
Comment: SERPIND1: BP4

NM_000185.4(SERPIND1):c.775A>G (p.Ile259Val)

Genes: PI4KA (phosphatidylinositol 4-kinase alpha; minus strand), SERPIND1 (serpin family D member 1; plus strand). Cytogenetic location: 22q11.21.
Variant type: single nucleotide variant.
Coding change: c.775A>G on transcript NM_000185.4 (MANE Select); coding-DNA position 775, A replaced by G.
Protein change: p.Ile259Val; replaces isoleucine 259 with valine.
Molecular consequence: missense variant. On other transcripts: intron variant (3).
Genome position (GRCh38, 1-based): chr22:20,780,087, A>G. VCF-style: chr22-20780087-A-G. GRCh37 (hg19) VCF-style: chr22-21134375-A-G.
Other names: c.2262+13106T>C (NM_001362863.2); c.2328+13106T>C (NM_001362862.2, NM_058004.4); short protein forms I259V.
Identifiers: ClinVar variation 4084850 (VCV004084850.8).